The following is an entry in ClinVar:

NM_001903.5(CTNNA1):c.1502C>T (p.Ala501Val)

Gene: CTNNA1 (catenin alpha 1; plus strand). Cytogenetic location: 5q31.2.
Variant type: single nucleotide variant.
Coding change: c.1502C>T on transcript NM_001903.5 (MANE Select); coding-DNA position 1502, C replaced by T.
Protein change: p.Ala501Val; replaces alanine 501 with valine.
Molecular consequence: missense variant.
Genome position (GRCh38, 1-based): chr5:138,917,854, C>T. VCF-style: chr5-138917854-C-T. GRCh37 (hg19) VCF-style: chr5-138253543-C-T.
Other names: c.1502C>T, p.Ala501Val (NM_001290307.3, NM_001323982.2, NM_001323983.1 and 2 more transcripts); c.1193C>T, p.Ala398Val (NM_001290309.3); c.1133C>T, p.Ala378Val (NM_001290310.3); c.392C>T, p.Ala131Val (NM_001290312.1, NM_001323987.1, NM_001323988.1 and 17 more transcripts); c.1409C>T, p.Ala470Val (NM_001323986.2); c.53C>T, p.Ala18Val (NM_001324006.1, NM_001324007.1, NM_001324008.1 and 2 more transcripts); c.299C>T, p.Ala100Val (NM_001324011.1); c.149C>T, p.Ala50Val (NM_001324012.1, NM_001324013.1); short protein forms A398V, A470V, A131V, A378V, A18V, A501V, A50V, A100V.
Identifiers: ClinVar variation 1434809 (VCV001434809.10), dbSNP rs772733704, ClinGen allele CA3431964.

ClinVar aggregate classification (germline): Uncertain significance. Review status: criteria provided, multiple submitters, no conflicts (2 of 4 stars). 2 submissions from 2 submitters: Uncertain significance (2). Last evaluated 2022-03-07.

Conditions:
Hereditary cancer-predisposing syndrome. Also called: Hereditary Cancer Syndrome; Hereditary neoplastic syndrome; Neoplastic Syndromes, Hereditary; Tumor predisposition. Identifiers: Orphanet 140162, MedGen C0027672, MeSH D009386, MONDO:0015356.

Allele frequency attached by ClinVar (database versions not stated): gnomAD exomes below 0.00001; ExAC 0.00001.
gnomAD v4.1: 5 of 1,614,214 alleles (0.00031%); highest among the groups gnomAD compares: Non-Finnish European, 0.00042%; no homozygotes.

Submissions (2):

Ambry Genetics
Classification: Uncertain significance for Hereditary cancer-predisposing syndrome. Last evaluated: 2022-03-07. Review status: criteria provided, single submitter. Criteria: Ambry Variant Classification Scheme 2023. Collection method: clinical testing. Allele origin: germline.
Comment: The p.A501V variant (also known as c.1502C>T), located in coding exon 10 of the CTNNA1 gene, results from a C to T substitution at nucleotide position 1502. The alanine at codon 501 is replaced by valine, an amino acid with similar properties. This amino acid position is conserved. In addition, the in silico prediction for this alteration is inconclusive. Since supporting evidence is limited at this time, the clinical significance of this alteration remains unclear.

Labcorp Genetics (formerly Invitae), Labcorp
Classification: Uncertain significance. Last evaluated: 2021-01-06. Review status: criteria provided, single submitter. Criteria: Invitae Variant Classification Sherloc (09022015). Collection method: clinical testing. Allele origin: germline.
Comment: This sequence change replaces alanine with valine at codon 501 of the CTNNA1 protein (p.Ala501Val). The alanine residue is highly conserved and there is a small physicochemical difference between alanine and valine. This variant is present in population databases (rs772733704, ExAC 0.002%). This variant has not been reported in the literature in individuals with CTNNA1-related conditions. Algorithms developed to predict the effect of missense changes on protein structure and function are either unavailable or do not agree on the potential impact of this missense change (SIFT: "Deleterious"; PolyPhen-2: "Probably Damaging"; Align-GVGD: "Class C0"). In summary, the available evidence is currently insufficient to determine the role of this variant in disease. Therefore, it has been classified as a Variant of Uncertain Significance.